The following is an entry in ClinVar:

NM_000548.5(TSC2):c.2324C>G (p.Ser775Cys)

Gene: TSC2 (TSC complex subunit 2; plus strand). Cytogenetic location: 16p13.3.
Variant type: single nucleotide variant.
Coding change: c.2324C>G on transcript NM_000548.5 (MANE Select); coding-DNA position 2324, C replaced by G.
Protein change: p.Ser775Cys; replaces serine 775 with cysteine.
Molecular consequence: missense variant.
Genome position (GRCh38, 1-based): chr16:2,072,952, C>G. VCF-style: chr16-2072952-C-G. GRCh37 (hg19) VCF-style: chr16-2122953-C-G.
Other names: c.2324C>G, p.Ser775Cys (NM_001077183.3, NM_001114382.3, NM_001363528.2 and 3 more transcripts); c.2213C>G, p.Ser738Cys (NM_001318827.2); c.2177C>G, p.Ser726Cys (NM_001318829.2); c.1724C>G, p.Ser575Cys (NM_001318831.2); c.2357C>G, p.Ser786Cys (NM_001318832.2); short protein forms S726C, S775C, S738C, S575C, S786C.
Identifiers: ClinVar variation 859973 (VCV000859973.9), dbSNP rs2088701360, ClinGen allele CA394276650.
Genomic context (GRCh38, chr16:2,072,952, plus strand): 5'-AAGGCTTCTCCAGAACTGACTTGCACCTGGCCGTGGTTCCAGTGCTGACAGCATTAATCT[C>G]TTACCATAACTACCTGGACAAAACCAAACAGGTAGGAGGTCAGAGCAGGACAGGCGAGCT-3'
Protein context (NP_000539.2, residues 765-785): AVVPVLTALI[Ser775Cys]YHNYLDKTKQ

ClinVar aggregate classification (germline): Uncertain significance (1 of 4 stars; one submission).

Conditions:
Tuberous sclerosis 2 (TSC2). Identifiers: Orphanet 805, MedGen C1860707, MONDO:0013199, OMIM 613254.

gnomAD v4.1: 4 of 1,613,618 alleles (0.00025%); highest among the groups gnomAD compares: Non-Finnish European, 0.00034%; no homozygotes.

Submission:

Labcorp Genetics (formerly Invitae), Labcorp
Classification: Uncertain significance for Tuberous sclerosis 2. Last evaluated: 2025-09-24. Review status: criteria provided, single submitter. Criteria: Invitae Variant Classification Sherloc (09022015). Collection method: clinical testing. Allele origin: germline.
Comment: This sequence change replaces serine, which is neutral and polar, with cysteine, which is neutral and slightly polar, at codon 775 of the TSC2 protein (p.Ser775Cys). This variant is not present in population databases (gnomAD no frequency). This variant has not been reported in the literature in individuals affected with TSC2-related conditions. ClinVar contains an entry for this variant (Variation ID: 859973). Invitae Evidence Modeling of protein sequence and biophysical properties (such as structural, functional, and spatial information, amino acid conservation, physicochemical variation, residue mobility, and thermodynamic stability) indicates that this missense variant is not expected to disrupt TSC2 protein function with a negative predictive value of 95%. In summary, the available evidence is currently insufficient to determine the role of this variant in disease. Therefore, it has been classified as a Variant of Uncertain Significance.